The following is an entry in ClinVar:

ClinVar aggregate classification (germline): Conflicting classifications of pathogenicity. Review status: criteria provided, conflicting classifications (1 of 4 stars). 4 submissions from 4 submitters: Uncertain significance (1); Likely benign (3). Last evaluated 2026-08-27.

Conditions:
Episodic ataxia type 2 (EA2). Also called: ACETAZOLAMIDE-RESPONSIVE HEREDITARY PAROXYSMAL CEREBELLAR ATAXIA; ATAXIA, EPISODIC, WITH NYSTAGMUS; ATAXIA, FAMILIAL PAROXYSMAL; CEREBELLAR ATAXIA, PAROXYSMAL, ACETAZOLAMIDE-RESPONSIVE; CEREBELLOPATHY, HEREDITARY PAROXYSMAL; EPISODIC ATAXIA, NYSTAGMUS-ASSOCIATED. Identifiers: Orphanet 97, MedGen C1720416, MONDO:0007163, OMIM 108500.
Developmental and epileptic encephalopathy, 42 (DEE42A). Also called: Epileptic encephalopathy, early infantile, 42; DEVELOPMENTAL AND EPILEPTIC ENCEPHALOPATHY 42A; EPILEPTIC ENCEPHALOPATHY, EARLY INFANTILE, 42A. Identifiers: MedGen C4310716, MONDO:0014917, OMIM 617106.
CACNA1A-related disorder. Also called: CACNA1A-related condition.

Allele frequency attached by ClinVar (database versions not stated): ExAC 0.00003; gnomAD exomes 0.00003 and 0.00004; gnomAD 0.00006 and 0.00007; ESP Exome Variant Server 0.00008.
gnomAD v4.1: 67 of 1,577,614 alleles (0.0042%); highest among the groups gnomAD compares: Non-Finnish European, 0.0046%; no homozygotes.

Submissions (4):

PreventionGenetics, part of Exact Sciences
Classification: Uncertain significance for CACNA1A-related condition. Last evaluated: 2026-08-27. Review status: criteria provided, single submitter. Criteria: ACMG Guidelines, 2015. Collection method: clinical testing. Allele origin: germline.
Comment: The CACNA1A c.2184G>A variant is not predicted to result in an amino acid change (p.=). This variant is predicted to alter splicing based on available splicing prediction programs (SpliceAI, Jaganathan et al. 2019. PubMed ID: 30661751). However, the use of computer prediction programs is not equivalent to functional evidence. To our knowledge, this variant has not been reported in the literature. On an alternate transcript (NM_001127222) this variant is referred to as c.2172+9G>A (Intronic), which is not predicted to interfere with splicing based on available splicing prediction programs (SpliceAI, Jaganathan et al. 2019. PubMed ID: 30661751). This variant is reported in 0.0069% of alleles in individuals of South Asian descent in gnomAD. Although we suspect this variant may be benign, at this time, the clinical significance of this variant is uncertain due to the absence of conclusive functional and genetic evidence.

Labcorp Genetics (formerly Invitae), Labcorp
Classification: Likely benign for Developmental and epileptic encephalopathy, 42; Episodic ataxia type 2. Last evaluated: 2024-10-30. Review status: criteria provided, single submitter. Criteria: Invitae Variant Classification Sherloc (09022015). Collection method: clinical testing. Allele origin: germline.

CeGaT Center for Human Genetics Tuebingen
Classification: Likely benign. Last evaluated: 2023-02-01. Review status: criteria provided, single submitter. Criteria: CeGaT Center For Human Genetics Tuebingen Variant Classification Criteria Version 2. Collection method: clinical testing. Allele origin: germline. Affected: yes. Observed: 3 variant alleles.
Comment: CACNA1A: BP4, BP7

GeneDx
Classification: Likely benign. Last evaluated: 2017-05-19. Review status: criteria provided, single submitter. Criteria: GeneDx Variant Classification (06012015). Collection method: clinical testing. Allele origin: germline. Affected: yes.
Comment: This variant is considered likely benign or benign based on one or more of the following criteria: it is a conservative change, it occurs at a poorly conserved position in the protein, it is predicted to be benign by multiple in silico algorithms, and/or has population frequency not consistent with disease.

NM_001127222.2(CACNA1A):c.2172+9G>A

Gene: CACNA1A (calcium voltage-gated channel subunit alpha1 A; minus strand). Cytogenetic location: 19p13.13.
Variant type: single nucleotide variant.
Coding change: c.2172+9G>A on transcript NM_001127222.2 (MANE Select); 9 bases into the intron after coding-DNA position 2172, G replaced by A.
Molecular consequence: intron variant. On other transcripts: synonymous variant (2).
Genome position (GRCh38, 1-based): chr19:13,303,537, C>T on the plus strand (G>A on the coding strand, the complement: CACNA1A is on the minus strand). VCF-style: chr19-13303537-C-T. GRCh37 (hg19) VCF-style: chr19-13414351-C-T.
Other names: c.2184G>A (NM_023035.2); c.2184G>A, p.Ala728= (NM_000068.4, NM_023035.3); c.2175+9G>A (NM_001127221.2, NM_001174080.2).
Identifiers: ClinVar variation 509626 (VCV000509626.48), dbSNP rs368353124, ClinGen allele CA9240618.